The following is an entry in ClinVar:

ClinVar aggregate classification (germline): Uncertain significance (1 of 4 stars; one submission).

Submission:

GeneDx
Classification: Uncertain significance. Last evaluated: 2019-09-24. Review status: criteria provided, single submitter. Criteria: GeneDx Variant Classification Process June 2021. Collection method: clinical testing. Allele origin: germline. Affected: yes.
Comment: Has not been previously published as pathogenic or benign to our knowledge; Not observed in large population cohorts (Lek et al., 2016); In silico analysis, which includes protein predictors and evolutionary conservation, supports a deleterious effect

NM_004380.3(CREBBP):c.4996G>C (p.Ala1666Pro)

Gene: CREBBP (CREB binding protein; minus strand). Cytogenetic location: 16p13.3.
Variant type: single nucleotide variant.
Coding change: c.4996G>C on transcript NM_004380.3 (MANE Select); coding-DNA position 4996, G replaced by C.
Protein change: p.Ala1666Pro; replaces alanine 1666 with proline.
Molecular consequence: missense variant.
Genome position (GRCh38, 1-based): chr16:3,731,368, C>G on the plus strand (G>C on the coding strand, the complement: CREBBP is on the minus strand). VCF-style: chr16-3731368-C-G. GRCh37 (hg19) VCF-style: chr16-3781369-C-G.
Other names: c.4882G>C, p.Ala1628Pro (NM_001079846.1); short protein forms A1628P, A1666P.
Identifiers: ClinVar variation 1308725 (VCV001308725.2), dbSNP rs1159046430, ClinGen allele CA394558728.